The following is an entry in ClinVar:

ClinVar aggregate classification (germline): Uncertain significance (1 of 4 stars; one submission).

Allele frequency attached by ClinVar (database versions not stated): gnomAD 0.00001.
gnomAD v4.1: 1 of 1,612,976 alleles (0.000062%); highest among the groups gnomAD compares: Non-Finnish European, 0.000085%; no homozygotes.

Submission:

GeneDx
Classification: Uncertain significance. Last evaluated: 2015-06-10. Review status: criteria provided, single submitter. Criteria: GeneDx Variant Classification (06012015). Collection method: clinical testing. Allele origin: germline. Affected: yes.
Comment: The K139R variant has not been published as pathogenic, nor has it been reported as a benign polymorphism to our knowledge. It was not observed in approximately 6,500 individuals of European and African American ancestry in the NHLBI Exome Sequencing Project, indicating it is not a common benign variant in these populations. The K139R missense change is a conservative amino acid substitution, which is not likely to impact secondary protein structure as these residues share similar properties. This substitution occurs at a position that is conserved across species. In silico analysis is inconsistent in its predictions as to whether or not the variant is damaging to the protein structure/function. Missense variants in nearby residues have not been reported in the Human Gene Mutation Database in association with ATL1-related disorders (Stenson et al., 2014). Therefore, based on the currently available information, it is unclear whether this variant is a pathogenic or a rare benign variant.

NM_015915.5(ATL1):c.416A>G (p.Lys139Arg)

Gene: ATL1 (atlastin GTPase 1; plus strand). Cytogenetic location: 14q22.1.
Variant type: single nucleotide variant.
Coding change: c.416A>G on transcript NM_015915.5 (MANE Select); coding-DNA position 416, A replaced by G.
Protein change: p.Lys139Arg; replaces lysine 139 with arginine.
Molecular consequence: missense variant.
Genome position (GRCh38, 1-based): chr14:50,591,074, A>G. VCF-style: chr14-50591074-A-G. GRCh37 (hg19) VCF-style: chr14-51057792-A-G.
Other names: c.416A>G, p.Lys139Arg (NM_001127713.1, NM_181598.4); short protein forms K139R.
Identifiers: ClinVar variation 245793 (VCV000245793.2), dbSNP rs879253950, ClinGen allele CA10584489.